The following is an entry in ClinVar:

NM_206943.4(LTBP1):c.3306G>A (p.Arg1102=)

Gene: LTBP1 (latent transforming growth factor beta binding protein 1; plus strand). Cytogenetic location: 2p22.3.
Variant type: single nucleotide variant.
Coding change: c.3306G>A on transcript NM_206943.4 (MANE Select); coding-DNA position 3306, G replaced by A.
Protein change: p.Arg1102=; no amino-acid change (arginine 1102 retained).
Molecular consequence: synonymous variant.
Genome position (GRCh38, 1-based): chr2:33,300,521, G>A. VCF-style: chr2-33300521-G-A. GRCh37 (hg19) VCF-style: chr2-33525588-G-A.
Other names: c.2199G>A, p.Arg733= (NM_001394911.1); c.2328G>A, p.Arg776= (NM_001394912.1, NM_001394918.1, NM_000627.4 and 1 more transcripts); c.2166G>A, p.Arg722= (NM_001394913.1, NM_001394921.1); c.2118G>A, p.Arg706= (NM_001394914.1); c.2244G>A, p.Arg748= (NM_001394915.1); c.2085G>A, p.Arg695= (NM_001394916.1); c.2202G>A, p.Arg734= (NM_001394917.1, NM_001394909.1); c.2325G>A, p.Arg775= (NM_001394919.1, NM_001394906.1, NM_001394910.1); and 6 more.
Identifiers: ClinVar variation 3388128 (VCV003388128.14).

ClinVar aggregate classification (germline): Likely benign (1 of 4 stars; one submission).

gnomAD v4.1: 262 of 1,613,816 alleles (0.016%); highest among the groups gnomAD compares: Non-Finnish European, 0.02%; no homozygotes.

Submission:

CeGaT Center for Human Genetics Tuebingen
Classification: Likely benign. Last evaluated: 2026-02-01. Review status: criteria provided, single submitter. Criteria: CeGaT Center For Human Genetics Tuebingen Variant Classification Criteria Version 2. Collection method: clinical testing. Allele origin: germline. Affected: yes. Observed: 4 variant alleles.
Comment: LTBP1: BP4, BP7